The following is an entry in ClinVar:

ClinVar aggregate classification (germline): Uncertain significance (1 of 4 stars; one submission).

Conditions:
Familial hemophagocytic lymphohistiocytosis 5. Also called: STXBP2-Related Familial Hemophagocytic Lymphohistiocytosis (STXBP2-fHLH). Identifiers: Orphanet 540, MedGen C2751293, MONDO:0013135, OMIM 613101.

Submission:

Labcorp Genetics (formerly Invitae), Labcorp
Classification: Uncertain significance for Familial hemophagocytic lymphohistiocytosis 5. Last evaluated: 2022-03-04. Review status: criteria provided, single submitter. Criteria: Invitae Variant Classification Sherloc (09022015). Collection method: clinical testing. Allele origin: germline.
Comment: In summary, the available evidence is currently insufficient to determine the role of this variant in disease. Therefore, it has been classified as a Variant of Uncertain Significance. Algorithms developed to predict the effect of missense changes on protein structure and function (SIFT, PolyPhen-2, Align-GVGD) all suggest that this variant is likely to be tolerated. This variant has not been reported in the literature in individuals affected with STXBP2-related conditions. This variant is not present in population databases (gnomAD no frequency). This sequence change replaces glutamic acid, which is acidic and polar, with lysine, which is basic and polar, at codon 312 of the STXBP2 protein (p.Glu312Lys).

NM_006949.4(STXBP2):c.934G>A (p.Glu312Lys)

Gene: STXBP2 (syntaxin binding protein 2; plus strand). Cytogenetic location: 19p13.2.
Variant type: single nucleotide variant.
Coding change: c.934G>A on transcript NM_006949.4 (MANE Select); coding-DNA position 934, G replaced by A.
Protein change: p.Glu312Lys; replaces glutamic acid 312 with lysine.
Molecular consequence: missense variant. On other transcripts: non-coding transcript variant (1).
Genome position (GRCh38, 1-based): chr19:7,642,797, G>A. VCF-style: chr19-7642797-G-A. GRCh37 (hg19) VCF-style: chr19-7707683-G-A.
Other names: c.925G>A, p.Glu309Lys (NM_001127396.3); c.967G>A, p.Glu323Lys (NM_001272034.2); short protein forms E323K, E312K, E309K.
Identifiers: ClinVar variation 1361989 (VCV001361989.6), dbSNP rs746027500, ClinGen allele CA403160152.